The following is an entry in ClinVar:

ClinVar aggregate classification (germline): Uncertain significance (1 of 4 stars; one submission).

Conditions:
Hereditary nonpolyposis colorectal neoplasms. Identifiers: MedGen C0009405, MeSH D003123.

Submission:

Labcorp Genetics (formerly Invitae), Labcorp
Classification: Uncertain significance for Hereditary nonpolyposis colorectal neoplasms. Last evaluated: 2025-07-31. Review status: criteria provided, single submitter. Criteria: Invitae Variant Classification Sherloc (09022015). Collection method: clinical testing. Allele origin: germline.
Comment: This sequence change replaces glycine, which is neutral and non-polar, with aspartic acid, which is acidic and polar, at codon 355 of the MSH6 protein (p.Gly355Asp). This variant is not present in population databases (gnomAD no frequency). This variant has not been reported in the literature in individuals affected with MSH6-related conditions. ClinVar contains an entry for this variant (Variation ID: 656619). Invitae Evidence Modeling of protein sequence and biophysical properties (such as structural, functional, and spatial information, amino acid conservation, physicochemical variation, residue mobility, and thermodynamic stability) indicates that this missense variant is not expected to disrupt MSH6 protein function with a negative predictive value of 95%. In summary, the available evidence is currently insufficient to determine the role of this variant in disease. Therefore, it has been classified as a Variant of Uncertain Significance.

NM_000179.3(MSH6):c.1064G>A (p.Gly355Asp)

Gene: MSH6 (mutS homolog 6; plus strand). Cytogenetic location: 2p16.3.
Variant type: single nucleotide variant.
Coding change: c.1064G>A on transcript NM_000179.3 (MANE Select); coding-DNA position 1064, G replaced by A.
Protein change: p.Gly355Asp; replaces glycine 355 with aspartic acid.
Molecular consequence: missense variant.
Genome position (GRCh38, 1-based): chr2:47,799,047, G>A. VCF-style: chr2-47799047-G-A. GRCh37 (hg19) VCF-style: chr2-48026186-G-A.
Other names: c.674G>A, p.Gly225Asp (NM_001281492.2); c.158G>A, p.Gly53Asp (NM_001281493.2, NM_001281494.2); short protein forms G225D, G53D, G355D.
Identifiers: ClinVar variation 656619 (VCV000656619.9), dbSNP rs1572721518, ClinGen allele CA346741629.